The following is an entry in ClinVar:

NM_001164508.2(NEB):c.24393G>A (p.Ser8131=)

Genes: NEB (nebulin; minus strand), RIF1 (replication timing regulatory factor 1; plus strand). Cytogenetic location: 2q23.3.
Variant type: single nucleotide variant.
Coding change: c.24393G>A on transcript NM_001164508.2 (MANE Select); coding-DNA position 24393, G replaced by A.
Protein change: p.Ser8131=; no amino-acid change (serine 8131 retained).
Molecular consequence: synonymous variant. On other transcripts: intron variant (1).
Genome position (GRCh38, 1-based): chr2:151,496,941, C>T on the plus strand (G>A on the coding strand, the complement: NEB is on the minus strand). VCF-style: chr2-151496941-C-T. GRCh37 (hg19) VCF-style: chr2-152353455-C-T.
Other names: c.24393G>A, p.Ser8131= (NM_001164507.2); c.24498G>A, p.Ser8166= (NM_001271208.2); c.18826-573G>A (NM_004543.5).
Identifiers: ClinVar variation 967566 (VCV000967566.9), dbSNP rs527744844, ClinGen allele CA57668151.

ClinVar aggregate classification (germline): Uncertain significance. Review status: criteria provided, single submitter (1 of 4 stars). 2 submissions from 2 submitters: Uncertain significance (1). 1 of the submissions does not count toward it. Last evaluated 2025-04-07.

Conditions:
Nemaline myopathy 2 (NEM2). Also called: Nemaline myopathy 2, autosomal recessive. Identifiers: MedGen C1850569, MONDO:0009725, OMIM 256030.

Allele frequency attached by ClinVar (database versions not stated): gnomAD 0.00001 and 0.00002; gnomAD exomes 0.00001; TOPMed 0.00001; 1000 Genomes Project 30x 0.00016; 1000 Genomes Project 0.00020.
gnomAD v4.1: 14 of 1,569,314 alleles (0.00089%); highest among the groups gnomAD compares: East Asian, 0.0092%; no homozygotes.

Submissions (3):

Labcorp Genetics (formerly Invitae), Labcorp
Classification: Uncertain significance for Nemaline myopathy 2. Last evaluated: 2025-04-07. Review status: criteria provided, single submitter. Criteria: Invitae Variant Classification Sherloc (09022015). Collection method: clinical testing. Allele origin: germline.
Comment: This sequence change affects codon 8166 of the NEB mRNA. It is a 'silent' change, meaning that it does not change the encoded amino acid sequence of the NEB protein. This variant also falls at the last nucleotide of exon 173, which is part of the consensus splice site for this exon. The frequency data for this variant in the population databases is considered unreliable, as metrics indicate poor data quality at this position in the gnomAD database. This variant has not been reported in the literature in individuals affected with NEB-related conditions. ClinVar contains an entry for this variant (Variation ID: 967566). Variants that disrupt the consensus splice site are a relatively common cause of aberrant splicing (PMID: 17576681, 9536098). Algorithms developed to predict the effect of sequence changes on RNA splicing suggest that this variant may disrupt the consensus splice site. In summary, the available evidence is currently insufficient to determine the role of this variant in disease. Therefore, it has been classified as a Variant of Uncertain Significance.

Natera, Inc.
Classification: Uncertain significance for Nemaline myopathy type 2. Last evaluated: 2020-11-06. Review status: no assertion criteria provided. Collection method: clinical testing. Allele origin: germline. Not counted in ClinVar's aggregate classification.

Dr. Peter K. Rogan Lab, Western University
No classification provided (evidence only). Condition: Ovarian serous cystadenocarcinoma. Review status: no classification provided. Collection method: in vitro. Allele origin: not applicable. Functional consequence: retained intron. Not counted in ClinVar's aggregate classification.

Literature cited by the submitters: PubMed 17576681 (cited by Labcorp Genetics (formerly Invitae), Labcorp); PubMed 9536098 (cited by Labcorp Genetics (formerly Invitae), Labcorp).